The following is an entry in ClinVar:

NM_018993.4(RIN2):c.680A>C (p.His227Pro)

Gene: RIN2 (Ras and Rab interactor 2; plus strand). Cytogenetic location: 20p11.23.
Variant type: single nucleotide variant.
Coding change: c.680A>C on transcript NM_018993.4 (MANE Select); coding-DNA position 680, A replaced by C.
Protein change: p.His227Pro; replaces histidine 227 with proline.
Molecular consequence: missense variant.
Genome position (GRCh38, 1-based): chr20:19,974,705, A>C. VCF-style: chr20-19974705-A-C. GRCh37 (hg19) VCF-style: chr20-19955349-A-C.
Other names: c.680A>C (NM_018993.3); c.827A>C, p.His276Pro (NM_001242581.2); c.62A>C, p.His21Pro (NM_001378238.1); short protein forms H227P, H21P, H276P.
Identifiers: ClinVar variation 1951396 (VCV001951396.6), dbSNP rs376707717, ClinGen allele CA408360753.
Genomic context (GRCh38, chr20:19,974,705, plus strand): 5'-GACTTTCAGATTTCTGGAGCTCCCCAGCTGACAGCAAACCCCCGAACCTTCCACCTCCCC[A>C]TAGGCCTCTTTCCTCCGACGGTGTCTGTCCTGCCTCCCTGCGTCAGCTCTGCCTTATAAA-3'
Protein context (NP_061866.1, residues 217-237): DSKPPNLPPP[His227Pro]RPLSSDGVCP

ClinVar aggregate classification (germline): Uncertain significance. Review status: criteria provided, multiple submitters, no conflicts (2 of 4 stars). 2 submissions from 2 submitters: Uncertain significance (2). Last evaluated 2024-09-30.

gnomAD v4.1: 1 of 1,613,814 alleles (0.000062%); highest among the groups gnomAD compares: Non-Finnish European, 0.000085%; no homozygotes.

Submissions (2):

GeneDx
Classification: Uncertain significance. Last evaluated: 2024-09-30. Review status: criteria provided, single submitter. Criteria: GeneDx Variant Classification Process June 2021. Collection method: clinical testing. Allele origin: germline. Affected: yes.
Comment: Not observed at significant frequency in large population cohorts (gnomAD); In silico analysis indicates that this missense variant does not alter protein structure/function; Has not been previously published as pathogenic or benign to our knowledge

Labcorp Genetics (formerly Invitae), Labcorp
Classification: Uncertain significance. Last evaluated: 2022-08-12. Review status: criteria provided, single submitter. Criteria: Invitae Variant Classification Sherloc (09022015). Collection method: clinical testing. Allele origin: germline.
Comment: This sequence change replaces histidine, which is basic and polar, with proline, which is neutral and non-polar, at codon 227 of the RIN2 protein (p.His227Pro). In summary, the available evidence is currently insufficient to determine the role of this variant in disease. Therefore, it has been classified as a Variant of Uncertain Significance. This variant is not present in population databases (gnomAD no frequency). This variant has not been reported in the literature in individuals affected with RIN2-related conditions. Algorithms developed to predict the effect of missense changes on protein structure and function are either unavailable or do not agree on the potential impact of this missense change (SIFT: "Tolerated"; PolyPhen-2: "Not Available"; Align-GVGD: "Class C0").